The following is an entry in ClinVar:

NM_152722.5(HEPACAM):c.851A>G (p.Gln284Arg)

Gene: HEPACAM (hepatic and glial cell adhesion molecule; minus strand). Cytogenetic location: 11q24.2.
Variant type: single nucleotide variant.
Coding change: c.851A>G on transcript NM_152722.5 (MANE Select); coding-DNA position 851, A replaced by G.
Protein change: p.Gln284Arg; replaces glutamine 284 with arginine.
Molecular consequence: missense variant.
Genome position (GRCh38, 1-based): chr11:124,922,771, T>C on the plus strand (A>G on the coding strand, the complement: HEPACAM is on the minus strand). VCF-style: chr11-124922771-T-C. GRCh37 (hg19) VCF-style: chr11-124792667-T-C.
Other names: p.Gln284Arg; short protein forms Q284R.
Identifiers: ClinVar variation 303328 (VCV000303328.19), dbSNP rs77759828, ClinGen allele CA6345628.

ClinVar aggregate classification (germline): Benign. Review status: criteria provided, multiple submitters, no conflicts (2 of 4 stars). 5 submissions from 5 submitters: Benign (5). Last evaluated 2025-12-11.

Conditions:
Megalencephalic leukoencephalopathy with subcortical cysts. Also called: VAN DER KNAAP DISEASE. Identifiers: Orphanet 2478, MedGen C1858854, MONDO:0011391.

Allele frequency attached by ClinVar (database versions not stated): ESP Exome Variant Server 0.00062; gnomAD 0.00225 and 0.00307; gnomAD exomes 0.00236 and 0.00692; TOPMed 0.00407; ExAC 0.00686; 1000 Genomes Project 30x 0.01234; 1000 Genomes Project 0.01378.
gnomAD v4.1: 3,969 of 1,614,242 alleles (0.25%); highest among the groups gnomAD compares: East Asian, 7.1%; 101 homozygotes.

Submissions (5):

Labcorp Genetics (formerly Invitae), Labcorp
Classification: Benign. Last evaluated: 2025-12-11. Review status: criteria provided, single submitter. Criteria: Invitae Variant Classification Sherloc (09022015). Collection method: clinical testing. Allele origin: germline.

Mayo Clinic Laboratories, Mayo Clinic
Classification: Benign. Last evaluated: 2023-04-28. Review status: criteria provided, single submitter. Criteria: ACMG Guidelines, 2015. Collection method: clinical testing. Allele origin: germline. Observed: 5 variant alleles.

GeneDx
Classification: Benign. Last evaluated: 2018-10-31. Review status: criteria provided, single submitter. Criteria: GeneDx Variant Classification Process June 2021. Collection method: clinical testing. Allele origin: germline. Affected: yes.

Illumina Laboratory Services, Illumina
Classification: Benign for Megalencephalic leukoencephalopathy with subcortical cysts. Last evaluated: 2018-01-13. Review status: criteria provided, single submitter. Criteria: ICSL Variant Classification Criteria 13 December 2019. Collection method: clinical testing. Allele origin: germline.
Comment: This variant was observed in the ICSL laboratory as part of a predisposition screen in an ostensibly healthy population. It had not been previously curated by ICSL or reported in the Human Gene Mutation Database (HGMD: prior to June 1st, 2018), and was therefore a candidate for classification through an automated scoring system. Utilizing variant allele frequency, disease prevalence and penetrance estimates, and inheritance mode, an automated score was calculated to assess if this variant is too frequent to cause the disease. Based on the score and internal cut-off values, a variant classified as benign is not then subjected to further curation. The score for this variant resulted in a classification of benign for this disease.

Breakthrough Genomics
Classification: Benign. Review status: criteria provided, single submitter. Criteria: ACMG Guidelines, 2015. Collection method: not provided. Allele origin: germline. Inheritance: Autosomal recessive inheritance. Affected: yes.